The following is an entry in ClinVar:

ClinVar aggregate classification (germline): Uncertain significance. Review status: criteria provided, multiple submitters, no conflicts (2 of 4 stars). 4 submissions from 4 submitters: Uncertain significance (4). Last evaluated 2024-02-24.

Conditions:
Inborn genetic diseases. Identifiers: MedGen C0950123, MeSH D030342.

Allele frequency attached by ClinVar (database versions not stated): gnomAD exomes 0.00002 and 0.00004; ExAC 0.00004; gnomAD 0.00018 and 0.00020; TOPMed 0.00022.
gnomAD v4.1: 53 of 1,613,964 alleles (0.0033%); highest among the groups gnomAD compares: African/African-American, 0.049%; no homozygotes.

Submissions (4):

Labcorp Genetics (formerly Invitae), Labcorp
Classification: Uncertain significance. Last evaluated: 2024-02-24. Review status: criteria provided, single submitter. Criteria: Invitae Variant Classification Sherloc (09022015). Collection method: clinical testing. Allele origin: germline.
Comment: This sequence change replaces alanine, which is neutral and non-polar, with aspartic acid, which is acidic and polar, at codon 236 of the PDHX protein (p.Ala236Asp). This variant is present in population databases (rs151100443, gnomAD 0.03%). This variant has not been reported in the literature in individuals affected with PDHX-related conditions. ClinVar contains an entry for this variant (Variation ID: 1343871). An algorithm developed to predict the effect of missense changes on protein structure and function (PolyPhen-2) suggests that this variant¬†is likely to be tolerated. In summary, the available evidence is currently insufficient to determine the role of this variant in disease. Therefore, it has been classified as a Variant of Uncertain Significance.

GeneDx
Classification: Uncertain significance. Last evaluated: 2022-03-11. Review status: criteria provided, single submitter. Criteria: GeneDx Variant Classification Process June 2021. Collection method: clinical testing. Allele origin: germline. Affected: yes.
Comment: In silico analysis supports that this missense variant does not alter protein structure/function; Has not been previously published as pathogenic or benign to our knowledge

Ambry Genetics
Classification: Uncertain significance for Inborn genetic diseases. Last evaluated: 2021-10-27. Review status: criteria provided, single submitter. Criteria: Ambry Variant Classification Scheme 2023. Collection method: clinical testing. Allele origin: germline.

Blueprint Genetics
Classification: Uncertain significance. Last evaluated: 2021-06-29. Review status: criteria provided, single submitter. Criteria: ACMG Guidelines, 2015. Collection method: clinical testing. Allele origin: germline.

NM_003477.3(PDHX):c.707C>A (p.Ala236Asp)

Gene: PDHX (pyruvate dehydrogenase complex component X; plus strand). Cytogenetic location: 11p13.
Variant type: single nucleotide variant.
Coding change: c.707C>A on transcript NM_003477.3 (MANE Select); coding-DNA position 707, C replaced by A.
Protein change: p.Ala236Asp; replaces alanine 236 with aspartic acid.
Molecular consequence: missense variant. On other transcripts: intron variant (1).
Genome position (GRCh38, 1-based): chr11:34,966,705, C>A. VCF-style: chr11-34966705-C-A. GRCh37 (hg19) VCF-style: chr11-34988252-C-A.
Other names: c.527C>A, p.Ala176Asp (NM_001135024.2); c.343-17865C>A (NM_001166158.2); short protein forms A176D, A236D.
Identifiers: ClinVar variation 1343871 (VCV001343871.10), dbSNP rs151100443, ClinGen allele CA5945970.